The following is an entry in ClinVar:

ClinVar aggregate classification (germline): Uncertain significance. Review status: criteria provided, multiple submitters, no conflicts (2 of 4 stars). 3 submissions from 3 submitters: Uncertain significance (3). Last evaluated 2025-10-23.

Allele frequency attached by ClinVar (database versions not stated): gnomAD 0.00001; gnomAD exomes 0.00001 and 0.00004; TOPMed 0.00001.
gnomAD v4.1: 55 of 1,570,160 alleles (0.0035%); highest among the groups gnomAD compares: Non-Finnish European, 0.0046%; no homozygotes.

Submissions (3):

Ambry Genetics
Classification: Uncertain significance. Last evaluated: 2025-10-23. Review status: criteria provided, single submitter. Criteria: Ambry Variant Classification Scheme 2023. Collection method: clinical testing. Allele origin: germline.

Labcorp Genetics (formerly Invitae), Labcorp
Classification: Uncertain significance. Last evaluated: 2024-02-19. Review status: criteria provided, single submitter. Criteria: Invitae Variant Classification Sherloc (09022015). Collection method: clinical testing. Allele origin: germline.
Comment: This sequence change replaces proline, which is neutral and non-polar, with leucine, which is neutral and non-polar, at codon 679 of the SAMD11 protein (p.Pro679Leu). This variant is present in population databases (no rsID available, gnomAD 0.003%). This variant has not been reported in the literature in individuals affected with SAMD11-related conditions. ClinVar contains an entry for this variant (Variation ID: 1038459). Algorithms developed to predict the effect of missense changes on protein structure and function output the following: SIFT: "Not Available"; PolyPhen-2: "Benign"; Align-GVGD: "Not Available". The leucine amino acid residue is found in multiple mammalian species, which suggests that this missense change does not adversely affect protein function. In summary, the available evidence is currently insufficient to determine the role of this variant in disease. Therefore, it has been classified as a Variant of Uncertain Significance.

Blueprint Genetics
Classification: Uncertain significance. Last evaluated: 2019-05-09. Review status: criteria provided, single submitter. Criteria: ACMG Guidelines, 2015. Collection method: clinical testing. Allele origin: germline.

NM_001385641.1(SAMD11):c.2525C>T (p.Pro842Leu)

Gene: SAMD11 (sterile alpha motif domain containing 11; plus strand). Cytogenetic location: 1p36.33.
Variant type: single nucleotide variant.
Coding change: c.2525C>T on transcript NM_001385641.1 (MANE Select); coding-DNA position 2525, C replaced by T.
Protein change: p.Pro842Leu; replaces proline 842 with leucine.
Molecular consequence: missense variant.
Genome position (GRCh38, 1-based): chr1:944,143, C>T. VCF-style: chr1-944143-C-T. GRCh37 (hg19) VCF-style: chr1-879523-C-T.
Other names: c.2036C>T (NM_152486.2); c.2528C>T, p.Pro843Leu (NM_001385640.1); c.2036C>T, p.Pro679Leu (NM_152486.4); short protein forms P842L, P843L, P679L.
Identifiers: ClinVar variation 1038459 (VCV001038459.9), dbSNP rs1239260306, ClinGen allele CA337821083.